The following is an entry in ClinVar:

NM_006206.6(PDGFRA):c.770G>T (p.Gly257Val)

Gene: PDGFRA (platelet derived growth factor receptor alpha; plus strand). Cytogenetic location: 4q12.
Variant type: single nucleotide variant.
Coding change: c.770G>T on transcript NM_006206.6 (MANE Select); coding-DNA position 770, G replaced by T.
Protein change: p.Gly257Val; replaces glycine 257 with valine.
Molecular consequence: missense variant.
Genome position (GRCh38, 1-based): chr4:54,267,299, G>T. VCF-style: chr4-54267299-G-T. GRCh37 (hg19) VCF-style: chr4-55133466-G-T.
Other names: c.770G>T, p.Gly257Val (NM_001347827.2, NM_001347829.2); c.845G>T, p.Gly282Val (NM_001347828.2); c.809G>T, p.Gly270Val (NM_001347830.2); short protein forms G270V, G282V, G257V.
Identifiers: ClinVar variation 1516725 (VCV001516725.11), dbSNP rs1577714420, ClinGen allele CA356891075.

ClinVar aggregate classification (germline): Uncertain significance. Review status: criteria provided, multiple submitters, no conflicts (2 of 4 stars). 2 submissions from 2 submitters: Uncertain significance (2). Last evaluated 2025-04-18.

Conditions:
Hereditary cancer-predisposing syndrome. Also called: Tumor predisposition; Neoplastic Syndromes, Hereditary; Hereditary Cancer Syndrome; Hereditary neoplastic syndrome. Identifiers: Orphanet 140162, MedGen C0027672, MeSH D009386, MONDO:0015356.
Gastrointestinal stromal tumor. Also called: Gastrointestinal stromal tumor, somatic; Gastrointestinal stroma tumor. Identifiers: Orphanet 44890, MedGen C0238198, MeSH D046152, MONDO:0011719, OMIM 606764, HP:0100723.

Submissions (2):

Ambry Genetics
Classification: Uncertain significance for Hereditary cancer-predisposing syndrome. Last evaluated: 2025-04-18. Review status: criteria provided, single submitter. Criteria: Ambry Variant Classification Scheme 2023. Collection method: clinical testing. Allele origin: germline.
Comment: The p.G257V variant (also known as c.770G>T), located in coding exon 5 of the PDGFRA gene, results from a G to T substitution at nucleotide position 770. The glycine at codon 257 is replaced by valine, an amino acid with dissimilar properties. This amino acid position is conserved. In addition, this alteration is predicted to be deleterious by in silico analysis. Since supporting evidence is limited at this time, the clinical significance of this alteration remains unclear.

Labcorp Genetics (formerly Invitae), Labcorp
Classification: Uncertain significance for Gastrointestinal stromal tumor. Last evaluated: 2025-01-06. Review status: criteria provided, single submitter. Criteria: Invitae Variant Classification Sherloc (09022015). Collection method: clinical testing. Allele origin: germline.
Comment: This sequence change replaces glycine, which is neutral and non-polar, with valine, which is neutral and non-polar, at codon 257 of the PDGFRA protein (p.Gly257Val). This variant is not present in population databases (gnomAD no frequency). This variant has not been reported in the literature in individuals affected with PDGFRA-related conditions. ClinVar contains an entry for this variant (Variation ID: 1516725). An algorithm developed to predict the effect of missense changes on protein structure and function (PolyPhen-2) suggests that this variant is likely to be disruptive. In summary, the available evidence is currently insufficient to determine the role of this variant in disease. Therefore, it has been classified as a Variant of Uncertain Significance.